The following is an entry in ClinVar:

NM_002764.4(PRPS1):c.640C>T (p.Arg214Trp)

Gene: PRPS1 (phosphoribosyl pyrophosphate synthetase 1; plus strand). Cytogenetic location: Xq22.3.
Variant type: single nucleotide variant.
Coding change: c.640C>T on transcript NM_002764.4 (MANE Select); coding-DNA position 640, C replaced by T.
Protein change: p.Arg214Trp; replaces arginine 214 with tryptophan.
Molecular consequence: missense variant.
Genome position (GRCh38, 1-based): chrX:107,645,286, C>T. VCF-style: chrX-107645286-C-T. GRCh37 (hg19) VCF-style: chrX-106888516-C-T.
Other names: c.28C>T, p.Arg10Trp (NM_001204402.2); short protein forms R214W, R10W.
Identifiers: ClinVar variation 446163 (VCV000446163.16), dbSNP rs1556300621, ClinGen allele CA413812308.
Genomic context (GRCh38, chrX:107,645,286, plus strand): 5'-AAAGAACGGAAGAAGGCCAATGAAGTGGACCGCATGGTGCTTGTGGGAGATGTGAAGGAT[C>T]GGGTGGCCATCCTTGTGGATGACATGGCTGACACTTGTGGCACAATCTGCCATGCAGCTG-3'
Protein context (NP_002755.1, residues 204-224): RMVLVGDVKD[Arg214Trp]VAILVDDMAD

ClinVar aggregate classification (germline): Pathogenic/Likely pathogenic. Review status: criteria provided, multiple submitters, no conflicts (2 of 4 stars). 5 submissions from 5 submitters: Pathogenic (1); Likely pathogenic (2). 2 of the submissions do not count toward it. Last evaluated 2024-09-16.

Conditions:
PRPS1-related disorder. Also called: PRPS1-related condition.
Arts syndrome (ARTS). Also called: MENTAL RETARDATION, X-LINKED, SYNDROMIC 18; MENTAL RETARDATION, X-LINKED, SYNDROMIC, ARTS TYPE; ARTS SYNDROME AND PHOSPHORIBOSYLPYROPHOSPHATE SYNTHETASE SUPERACTIVITY. Identifiers: Orphanet 1187, MedGen C0796028, MONDO:0010533, OMIM 301835.
Charcot-Marie-Tooth Neuropathy X. Identifiers: MedGen CN118851.
Retinal dystrophy. Also called: Inherited retinal dystrophy. Identifiers: Orphanet 71862, MedGen C0854723, MeSH D058499, MONDO:0019118, HP:0000556.
Hearing loss. Identifiers: MedGen C3887873.
Phosphoribosylpyrophosphate synthetase superactivity. Identifiers: Orphanet 3222, MedGen C1970827, MONDO:0010395, OMIM 300661.

Allele frequency attached by ClinVar (database versions not stated): gnomAD exomes below 0.00001.
gnomAD v4.1: 1 of 1,211,720 alleles (0.000083%); highest among the groups gnomAD compares: Non-Finnish European, 0.00011%; no homozygotes.

Submissions (5):

Labcorp Genetics (formerly Invitae), Labcorp
Classification: Pathogenic for Charcot-Marie-Tooth Neuropathy X. Last evaluated: 2024-09-16. Review status: criteria provided, single submitter. Criteria: Invitae Variant Classification Sherloc (09022015). Collection method: clinical testing. Allele origin: germline.
Comment: This sequence change replaces arginine, which is basic and polar, with tryptophan, which is neutral and slightly polar, at codon 214 of the PRPS1 protein (p.Arg214Trp). This variant is not present in population databases (gnomAD no frequency). This missense change has been observed in individual(s) with clinical features of PRPS1-related conditions (PMID: 28967191). In at least one individual the variant was observed to be de novo. ClinVar contains an entry for this variant (Variation ID: 446163). Invitae Evidence Modeling of protein sequence and biophysical properties (such as structural, functional, and spatial information, amino acid conservation, physicochemical variation, residue mobility, and thermodynamic stability) indicates that this missense variant is expected to disrupt PRPS1 protein function with a positive predictive value of 80%. This variant disrupts the p.Arg214 amino acid residue in PRPS1. Other variant(s) that disrupt this residue have been observed in individuals with PRPS1-related conditions (PMID: 28967191), which suggests that this may be a clinically significant amino acid residue. For these reasons, this variant has been classified as Pathogenic.

Blueprint Genetics
Classification: Likely pathogenic for PRPS1-related disorders. Last evaluated: 2022-09-30. Review status: criteria provided, single submitter. Criteria: ACMG Guidelines, 2015. Collection method: clinical testing. Allele origin: germline. Affected: yes. Observed: 3 variant alleles.

Centre for Mendelian Genomics, University Medical Centre Ljubljana
Classification: Likely pathogenic for Phosphoribosylpyrophosphate synthetase superactivity. Last evaluated: 2020-01-20. Review status: criteria provided, single submitter. Criteria: ACMG Guidelines, 2015. Collection method: clinical testing. Allele origin: unknown. Affected: yes.
Comment: This variant was classified as: Likely pathogenic. The following ACMG criteria were applied in classifying this variant: PS1,PM2,PP2,PP3.

Hardcastle Lab, UCL Institute of Ophthalmology
Classification: Likely pathogenic for Retinal dystrophy; Hearing loss. Last evaluated: 2017-01-01. Review status: no assertion criteria provided. Criteria: Submitter's publication. Collection method: research. Allele origin: germline. Affected: yes. Not counted in ClinVar's aggregate classification.

Genomics England Pilot Project, Genomics England
Classification: Likely pathogenic for Arts syndrome. Review status: no assertion criteria provided. Criteria: ACGS Guidelines, 2016. Collection method: clinical testing. Allele origin: germline. Affected: yes. Not counted in ClinVar's aggregate classification.

Literature cited by the submitters: PubMed 28967191 (cited by Labcorp Genetics (formerly Invitae), Labcorp).